The following is an entry in ClinVar:

NM_000094.4(COL7A1):c.4048-2A>G

Gene: COL7A1 (collagen type VII alpha 1 chain; minus strand). Cytogenetic location: 3p21.31.
Variant type: single nucleotide variant.
Coding change: c.4048-2A>G on transcript NM_000094.4 (MANE Select); the canonical splice acceptor site of the intron before coding-DNA position 4048, A replaced by G.
Molecular consequence: splice acceptor variant.
Genome position (GRCh38, 1-based): chr3:48,584,558, T>C on the plus strand (A>G on the coding strand, the complement: COL7A1 is on the minus strand). VCF-style: chr3-48584558-T-C. GRCh37 (hg19) VCF-style: chr3-48621991-T-C.
Identifiers: ClinVar variation 2834010 (VCV002834010.3), dbSNP rs2531171895, ClinGen allele CA352696275.
Genomic context (GRCh38, chr3:48,584,558, plus strand): 5'-TCCCCTTTCCGCCCAGGAAGCCCAGGTCCTTCACCTCCGATGACTTGTCCGGGAGCCCCC[T>C]GTAAGGACAGAGAGCAGTGGGCAGGATTCAGGCTATGGGGGCCTTGAGCTGGAAGAAGCC-3'

ClinVar aggregate classification (germline): Likely pathogenic (1 of 4 stars; one submission).

Submission:

Labcorp Genetics (formerly Invitae), Labcorp
Classification: Likely pathogenic. Last evaluated: 2023-02-02. Review status: criteria provided, single submitter. Criteria: Invitae Variant Classification Sherloc (09022015). Collection method: clinical testing. Allele origin: germline.
Comment: In summary, the currently available evidence indicates that the variant is pathogenic, but additional data are needed to prove that conclusively. Therefore, this variant has been classified as Likely Pathogenic. Algorithms developed to predict the effect of sequence changes on RNA splicing suggest that this variant may disrupt the consensus splice site. This variant has not been reported in the literature in individuals affected with COL7A1-related conditions. This variant is not present in population databases (gnomAD no frequency). This sequence change affects an acceptor splice site in intron 34 of the COL7A1 gene. It is expected to disrupt splicing. Variants that disrupt the donor or acceptor splice site typically lead to a loss of protein function (PMID: 16199547), and loss-of-function variants in COL7A1 are known to be disease-causing for autosomal recessive dystrophic epidermolysis bullosa (PMID: 16971478). However, certain variants affecting donor or acceptor splice sites in the triple helical domain of COL7A1 are expected to result in in-frame exon skipping and have been reported to cause autosomal dominant dystrophic epidermolysis bullosa (PMID: 31670143).

Literature cited by the submitters: PubMed 16199547; PubMed 16971478; PubMed 31670143.